The following is an entry in ClinVar:

ClinVar aggregate classification (germline): Uncertain significance (1 of 4 stars; one submission).

Conditions:
Proteosome-associated autoinflammatory syndrome. Also called: Proteasome-associated autoinflammatory syndrome. Identifiers: Orphanet 324977, MedGen C1850568, MONDO:0009726.

gnomAD v4.1: 1 of 1,613,670 alleles (0.000062%); highest among the groups gnomAD compares: Non-Finnish European, 0.000085%; no homozygotes.

Submission:

Labcorp Genetics (formerly Invitae), Labcorp
Classification: Uncertain significance for Proteosome-associated autoinflammatory syndrome. Last evaluated: 2018-03-04. Review status: criteria provided, single submitter. Criteria: Invitae Variant Classification Sherloc (09022015). Collection method: clinical testing. Allele origin: germline.
Comment: This sequence change replaces serine with glycine at codon 99 of the PSMB8 protein (p.Ser99Gly). The serine residue is weakly conserved and there is a small physicochemical difference between serine and glycine. This variant is not present in population databases (ExAC no frequency). This variant has not been reported in the literature in individuals with PSMB8-related disease. Algorithms developed to predict the effect of missense changes on protein structure and function (SIFT, PolyPhen-2, Align-GVGD) all suggest that this variant is likely to be tolerated, but these predictions have not been confirmed by published functional studies and their clinical significance is uncertain. In summary, the available evidence is currently insufficient to determine the role of this variant in disease. Therefore, it has been classified as a Variant of Uncertain Significance.

NM_148919.4(PSMB8):c.295A>G (p.Ser99Gly)

Gene: PSMB8 (proteasome 20S subunit beta 8; minus strand). Cytogenetic location: 6p21.32.
Variant type: single nucleotide variant.
Coding change: c.295A>G on transcript NM_148919.4 (MANE Select); coding-DNA position 295, A replaced by G.
Protein change: p.Ser99Gly; replaces serine 99 with glycine.
Molecular consequence: missense variant.
Genome position (GRCh38, 1-based): chr6:32,842,942, T>C on the plus strand (A>G on the coding strand, the complement: PSMB8 is on the minus strand). VCF-style: chr6-32842942-T-C. GRCh37 (hg19) VCF-style: chr6-32810719-T-C.
Other names: c.295A>G, p.Ser99Gly (LRG_1328t1); c.283A>G, p.Ser95Gly (LRG_1328t2, NM_004159.5); short protein forms S95G, S99G.
Identifiers: ClinVar variation 574907 (VCV000574907.9), dbSNP rs1381795628, ClinGen allele CA363589316.